The following is an entry in ClinVar:

ClinVar aggregate classification (germline): Likely pathogenic (1 of 4 stars; one submission).

Conditions:
Tay-Sachs disease, variant AB. Also called: Gm2-gangliosidosis, ab variant; GM2 Activator Deficiency. Identifiers: Orphanet 309246, MedGen C0268275, MONDO:0010099, OMIM 272750.

Submission:

First Genomix Gene Laboratory, Genetic Diagnostics Department
Classification: Likely pathogenic for Tay-Sachs disease, variant AB. Last evaluated: 2025-09-23. Review status: criteria provided, single submitter. Criteria: ACMG Guidelines, 2015. Collection method: clinical testing. Allele origin: germline. Inheritance: Autosomal recessive inheritance. Affected: no. Observed: 1 variant allele.

NM_000405.5(GM2A):c.172dup (p.Ile58fs)

Gene: GM2A (ganglioside GM2 activator; plus strand). Cytogenetic location: 5q33.1.
Variant type: Duplication.
Coding change: c.172dup on transcript NM_000405.5 (MANE Select); coding-DNA position 172, one base duplicated (A; older notation c.172dupA).
Protein change: p.Ile58fs; shifts the reading frame from isoleucine 58.
Molecular consequence: frameshift variant.
Genome position (GRCh38, 1-based): chr5:151,259,845, A duplicated. VCF-style (leftmost placement, unchanged base first): chr5-151259844-C-CA. GRCh37 (hg19) VCF-style: chr5-150639405-C-CA.
Other names: c.172dup, p.Ile58fs (NM_001167607.3); short protein forms I58fs.
Identifiers: ClinVar variation 4850392 (VCV004850392.1).